The following is an entry in ClinVar:

NM_001365999.1(SZT2):c.5815C>G (p.Arg1939Gly)

Gene: SZT2 (SZT2 subunit of KICSTOR complex; plus strand). Cytogenetic location: 1p34.2.
Variant type: single nucleotide variant.
Coding change: c.5815C>G on transcript NM_001365999.1 (MANE Select); coding-DNA position 5815, C replaced by G.
Protein change: p.Arg1939Gly; replaces arginine 1939 with glycine.
Molecular consequence: missense variant.
Genome position (GRCh38, 1-based): chr1:43,434,396, C>G. VCF-style: chr1-43434396-C-G. GRCh37 (hg19) VCF-style: chr1-43900067-C-G.
Other names: c.5644C>G, p.Arg1882Gly (NM_015284.4); short protein forms R1882G, R1939G.
Identifiers: ClinVar variation 1002668 (VCV001002668.8), dbSNP rs1391888607, ClinGen allele CA340027035.

ClinVar aggregate classification (germline): Uncertain significance (1 of 4 stars; one submission).

Submission:

Labcorp Genetics (formerly Invitae), Labcorp
Classification: Uncertain significance. Last evaluated: 2025-03-17. Review status: criteria provided, single submitter. Criteria: Invitae Variant Classification Sherloc (09022015). Collection method: clinical testing. Allele origin: germline.
Comment: This sequence change replaces arginine, which is basic and polar, with glycine, which is neutral and non-polar, at codon 1882 of the SZT2 protein (p.Arg1882Gly). This variant is not present in population databases (gnomAD no frequency). This variant has not been reported in the literature in individuals affected with SZT2-related conditions. ClinVar contains an entry for this variant (Variation ID: 1002668). Invitae Evidence Modeling of protein sequence and biophysical properties (such as structural, functional, and spatial information, amino acid conservation, physicochemical variation, residue mobility, and thermodynamic stability) indicates that this missense variant is not expected to disrupt SZT2 protein function with a negative predictive value of 80%. Algorithms developed to predict the effect of sequence changes on RNA splicing suggest that this variant may disrupt the consensus splice site. In summary, the available evidence is currently insufficient to determine the role of this variant in disease. Therefore, it has been classified as a Variant of Uncertain Significance.